The following is an entry in ClinVar:

ClinVar aggregate classification (germline): Uncertain significance. Review status: criteria provided, multiple submitters, no conflicts (2 of 4 stars). 3 submissions from 3 submitters: Uncertain significance (3). Last evaluated 2024-06-04.

Conditions:
Kabuki syndrome 2 (KABUK2). Also called: KDM6A-Related Kabuki Syndrome. Identifiers: Orphanet 2322, MedGen C3275495, MONDO:0010465, OMIM 300867.

Allele frequency attached by ClinVar (database versions not stated): TOPMed 0.00002; ExAC 0.00001; gnomAD exomes 0.00001.
gnomAD v4.1: 4 of 1,211,370 alleles (0.00033%); highest among the groups gnomAD compares: Admixed American, 0.0065%; no homozygotes.

Submissions (3):

Dasa
Classification: Uncertain significance. Last evaluated: 2024-06-04. Review status: criteria provided, single submitter. Criteria: DASA Assertion Criteria. Collection method: clinical testing. Allele origin: germline.
Comment: NM_001291415.2(KDM6A):c.2821A>G (p.Ile941Val) is a missense variant that results in the substitution of isoleucine with valine. This variant is rare in population databases. The currently available literature and clinical evidence are not sufficient to establish a definitive association between this variant and the reported condition. Therefore, this variant is classified as a variant of uncertain significance.

Fulgent Genetics
Classification: Uncertain significance for Kabuki syndrome 2. Last evaluated: 2024-03-21. Review status: criteria provided, single submitter. Criteria: ACMG Guidelines, 2015. Collection method: clinical testing. Allele origin: germline.

Baylor Genetics
Classification: Uncertain significance for Kabuki syndrome 2. Last evaluated: 2023-01-29. Review status: criteria provided, single submitter. Criteria: ACMG Guidelines, 2015. Collection method: clinical testing. Allele origin: unknown.

NM_001291415.2(KDM6A):c.2821A>G (p.Ile941Val)

Gene: KDM6A (lysine demethylase 6A; plus strand). Cytogenetic location: Xp11.3.
Variant type: single nucleotide variant.
Coding change: c.2821A>G on transcript NM_001291415.2 (MANE Select); coding-DNA position 2821, A replaced by G.
Protein change: p.Ile941Val; replaces isoleucine 941 with valine.
Molecular consequence: missense variant. On other transcripts: non-coding transcript variant (1).
Genome position (GRCh38, 1-based): chrX:45,070,320, A>G. VCF-style: chrX-45070320-A-G. GRCh37 (hg19) VCF-style: chrX-44929565-A-G.
Other names: c.2686A>G, p.Ile896Val (NM_001291416.2, NM_001419811.1); c.2530A>G, p.Ile844Val (NM_001291417.2); c.2428A>G, p.Ile810Val (NM_001291418.2, NM_001419815.1); c.1777A>G, p.Ile593Val (NM_001291421.2); c.2563A>G, p.Ile855Val (NM_001410742.1, NM_001419814.1); c.2821A>G, p.Ile941Val (NM_001419809.1); c.2719A>G, p.Ile907Val (NM_001419810.1, NM_001419813.1); c.2665A>G, p.Ile889Val (NM_001419812.1, NM_021140.4); short protein forms I593V, I810V, I844V, I855V, I889V, I896V, I907V, I941V.
Identifiers: ClinVar variation 2582567 (VCV002582567.4), dbSNP rs748064342, ClinGen allele CA10392535.